The following is an entry in ClinVar:

NM_000059.4(BRCA2):c.5605A>G (p.Ser1869Gly)

Gene: BRCA2 (BRCA2 DNA repair associated; plus strand). Cytogenetic location: 13q13.1.
Variant type: single nucleotide variant.
Coding change: c.5605A>G on transcript NM_000059.4 (MANE Select); coding-DNA position 5605, A replaced by G.
Protein change: p.Ser1869Gly; replaces serine 1869 with glycine.
Molecular consequence: missense variant.
Genome position (GRCh38, 1-based): chr13:32,339,960, A>G. VCF-style: chr13-32339960-A-G. GRCh37 (hg19) VCF-style: chr13-32914097-A-G.
Other names: short protein forms S1869G.
Identifiers: ClinVar variation 231602 (VCV000231602.21), dbSNP rs876659256, ClinGen allele CA10579657.
Genomic context (GRCh38, chr13:32,339,960, plus strand): 5'-GGTAAAATCGTTTGTGTTTCACATGAAACAATTAAAAAAGTGAAAGACATATTTACAGAC[A>G]GTTTCAGTAAAGTAATTAAGGAAAACAACGAGAATAAATCAAAAATTTGCCAAACGAAAA-3'
Protein context (NP_000050.3, residues 1859-1879): IKKVKDIFTD[Ser1869Gly]FSKVIKENNE

ClinVar aggregate classification (germline): Conflicting classifications of pathogenicity. Review status: criteria provided, conflicting classifications (1 of 4 stars). 4 submissions from 4 submitters: Uncertain significance (2); Likely benign (1). 1 of the submissions does not count toward it. Last evaluated 2024-04-10.

Conditions:
Hereditary cancer-predisposing syndrome. Also called: Hereditary Cancer Syndrome; Neoplastic Syndromes, Hereditary; Tumor predisposition; Hereditary neoplastic syndrome. Identifiers: Orphanet 140162, MedGen C0027672, MeSH D009386, MONDO:0015356.
Breast-ovarian cancer, familial, susceptibility to, 2 (BROVCA2). Also called: BRCA2 Hereditary Breast and Ovarian Cancer. Identifiers: Orphanet 145, MedGen C2675520, MONDO:0012933, OMIM 612555. Disease mechanism: loss of function.
Hereditary breast ovarian cancer syndrome. Also called: Hereditary breast and/or ovarian cancer syndrome; BRCA1- and BRCA2-Associated Hereditary Breast and Ovarian Cancer; Hereditary breast and ovarian cancer syndrome (HBOC); Hereditary breast and ovarian cancer; Hereditary breast and ovarian cancer syndrome; Breast and ovarian cancer. Identifiers: Orphanet 145, MedGen C0677776, MeSH D061325, MONDO:0003582. Disease mechanism: loss of function.

Allele frequency attached by ClinVar (database versions not stated): gnomAD exomes below 0.00001 and 0.00001.
gnomAD v4.1: 3 of 1,609,686 alleles (0.00019%); highest among the groups gnomAD compares: Non-Finnish European, 0.00025%; no homozygotes.

Submissions (4):

Labcorp Genetics (formerly Invitae), Labcorp
Classification: Uncertain significance for Hereditary breast ovarian cancer syndrome. Last evaluated: 2024-04-10. Review status: criteria provided, single submitter. Criteria: Invitae Variant Classification Sherloc (09022015). Collection method: clinical testing. Allele origin: germline.
Comment: This sequence change replaces serine, which is neutral and polar, with glycine, which is neutral and non-polar, at codon 1869 of the BRCA2 protein (p.Ser1869Gly). This variant is present in population databases (no rsID available, gnomAD 0.0009%). This variant has not been reported in the literature in individuals affected with BRCA2-related conditions. ClinVar contains an entry for this variant (Variation ID: 231602). Advanced modeling of protein sequence and biophysical properties (such as structural, functional, and spatial information, amino acid conservation, physicochemical variation, residue mobility, and thermodynamic stability) performed at Invitae indicates that this missense variant is not expected to disrupt BRCA2 protein function with a negative predictive value of 95%. In summary, the available evidence is currently insufficient to determine the role of this variant in disease. Therefore, it has been classified as a Variant of Uncertain Significance.

Ambry Genetics
Classification: Uncertain significance for Hereditary cancer-predisposing syndrome. Last evaluated: 2024-03-25. Review status: criteria provided, single submitter. Criteria: Ambry Variant Classification Scheme 2023. Collection method: clinical testing. Allele origin: germline.
Comment: The p.S1869G variant (also known as c.5605A>G), located in coding exon 10 of the BRCA2 gene, results from an A to G substitution at nucleotide position 5605. The serine at codon 1869 is replaced by glycine, an amino acid with similar properties. This amino acid position is poorly conserved in available vertebrate species. In addition, this alteration is predicted to be tolerated by in silico analysis. Based on the available evidence, the clinical significance of this alteration remains unclear.

University of Washington Department of Laboratory Medicine, University of Washington
Classification: Likely benign for Hereditary cancer-predisposing syndrome. Last evaluated: 2023-03-23. Review status: criteria provided, single submitter. Criteria: Dines et al. (Genet Med. 2020). Collection method: curation. Allele origin: germline.
Comment: Missense variant in a coldspot region where missense variants are very unlikely to be pathogenic (PMID:31911673).

BRCA2 exon 11 coldspot. Reclassification based on statistical prior probability.

BRCAlab, Lund University
Classification: Uncertain significance for Breast-ovarian cancer, familial, susceptibility to, 2. Last evaluated: 2020-03-02. Review status: no assertion criteria provided. Collection method: clinical testing. Allele origin: germline. Affected: yes. Not counted in ClinVar's aggregate classification.

Literature cited by the submitters: PubMed 29884841 (cited by Ambry Genetics).